The following is an entry in ClinVar:

NM_005883.3(APC2):c.2245G>A (p.Ala749Thr)

Gene: APC2 (APC regulator of Wnt signaling pathway 2; plus strand). Cytogenetic location: 19p13.3.
Variant type: single nucleotide variant.
Coding change: c.2245G>A on transcript NM_005883.3 (MANE Select); coding-DNA position 2245, G replaced by A.
Protein change: p.Ala749Thr; replaces alanine 749 with threonine.
Molecular consequence: missense variant.
Genome position (GRCh38, 1-based): chr19:1,465,546, G>A. VCF-style: chr19-1465546-G-A. GRCh37 (hg19) VCF-style: chr19-1465545-G-A.
Other names: c.2242G>A, p.Ala748Thr (NM_001351273.1); short protein forms A748T, A749T.
Identifiers: ClinVar variation 2177207 (VCV002177207.28), dbSNP rs1421185588, ClinGen allele CA403025366.

ClinVar aggregate classification (germline): Uncertain significance. Review status: criteria provided, multiple submitters, no conflicts (2 of 4 stars). 2 submissions from 2 submitters: Uncertain significance (2). Last evaluated 2023-08-01.

Allele frequency attached by ClinVar (database versions not stated): TOPMed below 0.00001; gnomAD 0.00001; gnomAD exomes 0.00002.
gnomAD v4.1: 28 of 1,533,920 alleles (0.0018%); highest among the groups gnomAD compares: African/African-American, 0.0042%; no homozygotes.

Submissions (2):

CeGaT Center for Human Genetics Tuebingen
Classification: Uncertain significance. Last evaluated: 2023-08-01. Review status: criteria provided, single submitter. Criteria: CeGaT Center For Human Genetics Tuebingen Variant Classification Criteria Version 2. Collection method: clinical testing. Allele origin: germline. Affected: yes. Observed: 1 variant allele.
Comment: APC2: PM2

Labcorp Genetics (formerly Invitae), Labcorp
Classification: Uncertain significance. Last evaluated: 2023-07-21. Review status: criteria provided, single submitter. Criteria: Invitae Variant Classification Sherloc (09022015). Collection method: clinical testing. Allele origin: germline.
Comment: This variant is not present in population databases (gnomAD no frequency). This variant has not been reported in the literature in individuals affected with APC2-related conditions. ClinVar contains an entry for this variant (Variation ID: 2177207). Advanced modeling of protein sequence and biophysical properties (such as structural, functional, and spatial information, amino acid conservation, physicochemical variation, residue mobility, and thermodynamic stability) performed at Invitae indicates that this missense variant is not expected to disrupt APC2 protein function. In summary, the available evidence is currently insufficient to determine the role of this variant in disease. Therefore, it has been classified as a Variant of Uncertain Significance. This sequence change replaces alanine, which is neutral and non-polar, with threonine, which is neutral and polar, at codon 749 of the APC2 protein (p.Ala749Thr).